The following is an entry in ClinVar:

NM_032634.4(PIGO):c.2168C>T (p.Ser723Leu)

Gene: PIGO (phosphatidylinositol glycan anchor biosynthesis class O; minus strand). Cytogenetic location: 9p13.3.
Variant type: single nucleotide variant.
Coding change: c.2168C>T on transcript NM_032634.4 (MANE Select); coding-DNA position 2168, C replaced by T.
Protein change: p.Ser723Leu; replaces serine 723 with leucine.
Molecular consequence: missense variant. On other transcripts: intron variant (2).
Genome position (GRCh38, 1-based): chr9:35,091,719, G>A on the plus strand (C>T on the coding strand, the complement: PIGO is on the minus strand). VCF-style: chr9-35091719-G-A. GRCh37 (hg19) VCF-style: chr9-35091716-G-A.
Other names: c.1345-428C>T (NM_152850.4, NM_001201484.2); short protein forms S723L.
Identifiers: ClinVar variation 540455 (VCV000540455.8), dbSNP rs1554672556, ClinGen allele CA373320639.

ClinVar aggregate classification (germline): Uncertain significance. Review status: criteria provided, multiple submitters, no conflicts (2 of 4 stars). 3 submissions from 3 submitters: Uncertain significance (3). Last evaluated 2024-11-26.

Conditions:
Inborn genetic diseases. Identifiers: MedGen C0950123, MeSH D030342.
Hyperphosphatasia with impaired intellectual development syndrome 2. Also called: Hyperphosphatasia with intellectual disability syndrome 2; GLYCOSYLPHOSPHATIDYLINOSITOL BIOSYNTHESIS DEFECT 6. Identifiers: Orphanet 247262, MedGen C3553637, MONDO:0013882, OMIM 614749.

Allele frequency attached by ClinVar (database versions not stated): TOPMed below 0.00001; gnomAD 0.00001; gnomAD exomes 0.00001.
gnomAD v4.1: 8 of 1,611,918 alleles (0.0005%); highest among the groups gnomAD compares: Middle Eastern, 0.016%; no homozygotes.

Submissions (3):

Ambry Genetics
Classification: Uncertain significance for Inborn genetic diseases. Last evaluated: 2024-11-26. Review status: criteria provided, single submitter. Criteria: Ambry Variant Classification Scheme 2023. Collection method: clinical testing. Allele origin: germline.

Labcorp Genetics (formerly Invitae), Labcorp
Classification: Uncertain significance for Hyperphosphatasia with impaired intellectual development syndrome 2. Last evaluated: 2022-09-01. Review status: criteria provided, single submitter. Criteria: Invitae Variant Classification Sherloc (09022015). Collection method: clinical testing. Allele origin: germline.
Comment: This sequence change replaces serine, which is neutral and polar, with leucine, which is neutral and non-polar, at codon 723 of the PIGO protein (p.Ser723Leu). This variant is not present in population databases (gnomAD no frequency). This variant has not been reported in the literature in individuals affected with PIGO-related conditions. ClinVar contains an entry for this variant (Variation ID: 540455). Algorithms developed to predict the effect of missense changes on protein structure and function are either unavailable or do not agree on the potential impact of this missense change (SIFT: "Deleterious"; PolyPhen-2: "Probably Damaging"; Align-GVGD: "Class C0"). In summary, the available evidence is currently insufficient to determine the role of this variant in disease. Therefore, it has been classified as a Variant of Uncertain Significance.

GeneDx
Classification: Uncertain significance. Last evaluated: 2020-02-18. Review status: criteria provided, single submitter. Criteria: GeneDx Variant Classification Process June 2021. Collection method: clinical testing. Allele origin: germline. Affected: yes.
Comment: Not observed in large population cohorts (Lek et al., 2016); In silico analysis supports that this missense variant does not alter protein structure/function; Has not been previously published as pathogenic or benign to our knowledge